The following is an entry in ClinVar:

NM_002109.6(HARS1):c.103G>T (p.Val35Leu)

Gene: HARS1 (histidyl-tRNA synthetase 1; minus strand). Cytogenetic location: 5q31.3.
Variant type: single nucleotide variant.
Coding change: c.103G>T on transcript NM_002109.6 (MANE Select); coding-DNA position 103, G replaced by T.
Protein change: p.Val35Leu; replaces valine 35 with leucine.
Molecular consequence: missense variant.
Genome position (GRCh38, 1-based): chr5:140,690,932, C>A on the plus strand (G>T on the coding strand, the complement: HARS1 is on the minus strand). VCF-style: chr5-140690932-C-A. GRCh37 (hg19) VCF-style: chr5-140070517-C-A.
Other names: c.103G>T (NM_002109.3); c.103G>T, p.Val35Leu (NM_001258040.3, NM_001258041.3, NM_001258042.3 and 2 more transcripts); c.16G>T, p.Val6Leu (NM_001289094.2); short protein forms V6L, V35L.
Identifiers: ClinVar variation 3715819 (VCV003715819.3).
Genomic context (GRCh38, chr5:140,690,932, plus strand): 5'-CAAATTTCTGTTTGCTTTCATCAGGACCCAGCTGTGCCTTCAGTTTCAGGAGTTTCGCCA[C>A]CTCCTCCTCGATCTGTGGAGGGAAAGAAGGCGCTGAGCTATCCATCTGTCACTCTCCTCC-3'
Protein context (NP_002100.2, residues 25-45): KASAELIEEE[Val35Leu]AKLLKLKAQL

ClinVar aggregate classification (germline): Uncertain significance. Review status: criteria provided, multiple submitters, no conflicts (2 of 4 stars). 2 submissions from 2 submitters: Uncertain significance (2). Last evaluated 2025-06-07.

Conditions:
Usher syndrome type 3B. Also called: USHER SYNDROME, TYPE IIIB. Identifiers: MedGen C3281066, MONDO:0013788, OMIM 614504.

Submissions (2):

Ambry Genetics
Classification: Uncertain significance. Last evaluated: 2025-06-07. Review status: criteria provided, single submitter. Criteria: Ambry Variant Classification Scheme 2023. Collection method: clinical testing. Allele origin: germline.

Labcorp Genetics (formerly Invitae), Labcorp
Classification: Uncertain significance for Usher syndrome type 3B. Last evaluated: 2024-05-28. Review status: criteria provided, single submitter. Criteria: Invitae Variant Classification Sherloc (09022015). Collection method: clinical testing. Allele origin: germline.
Comment: This sequence change replaces valine, which is neutral and non-polar, with leucine, which is neutral and non-polar, at codon 35 of the HARS protein (p.Val35Leu). This variant is present in population databases (no rsID available, gnomAD 0.01%). This variant has not been reported in the literature in individuals affected with HARS-related conditions. An algorithm developed to predict the effect of missense changes on protein structure and function (PolyPhen-2) suggests that this variant is likely to be disruptive. In summary, the available evidence is currently insufficient to determine the role of this variant in disease. Therefore, it has been classified as a Variant of Uncertain Significance.